The following is an entry in ClinVar:

ClinVar aggregate classification (germline): Uncertain significance. Review status: criteria provided, multiple submitters, no conflicts (2 of 4 stars). 5 submissions from 5 submitters: Uncertain significance (5). Last evaluated 2025-03-10.

Conditions:
Hereditary cancer-predisposing syndrome. Also called: Hereditary Cancer Syndrome; Neoplastic Syndromes, Hereditary; Tumor predisposition; Hereditary neoplastic syndrome. Identifiers: Orphanet 140162, MedGen C0027672, MeSH D009386, MONDO:0015356.
Hereditary diffuse gastric adenocarcinoma (HDGC). Also called: DIFFUSE GASTRIC AND LOBULAR BREAST CANCER SYNDROME. Identifiers: Orphanet 26106, MedGen C1708349, MONDO:0007648, OMIM 137215.

Allele frequency attached by ClinVar (database versions not stated): gnomAD exomes below 0.00001; ExAC 0.00001; gnomAD 0.00001 and 0.00002; TOPMed 0.00001.
gnomAD v4.1: 7 of 1,614,052 alleles (0.00043%); highest among the groups gnomAD compares: South Asian, 0.0011%; no homozygotes.

Submissions (5):

Ambry Genetics
Classification: Uncertain significance for Hereditary cancer-predisposing syndrome. Last evaluated: 2025-03-10. Review status: criteria provided, single submitter. Criteria: Ambry Variant Classification Scheme 2023. Collection method: clinical testing. Allele origin: germline.
Comment: The p.R524Q variant (also known as c.1571G>A), located in coding exon 11 of the CDH1 gene, results from a G to A substitution at nucleotide position 1571. The arginine at codon 524 is replaced by glutamine, an amino acid with highly similar properties. This alteration was identified in an individual diagnosed with breast cancer (Garcia-Pelaez J et al. Lancet Oncol, 2023 Jan;24:91-106). This amino acid position is well conserved in available vertebrate species. In addition, this alteration is predicted to be tolerated by in silico analysis. Based on the available evidence, the clinical significance of this variant remains unclear.

Labcorp Genetics (formerly Invitae), Labcorp
Classification: Uncertain significance for Hereditary diffuse gastric adenocarcinoma. Last evaluated: 2024-08-05. Review status: criteria provided, single submitter. Criteria: Invitae Variant Classification Sherloc (09022015). Collection method: clinical testing. Allele origin: germline.
Comment: This sequence change replaces arginine, which is basic and polar, with glutamine, which is neutral and polar, at codon 524 of the CDH1 protein (p.Arg524Gln). This variant is present in population databases (rs761180883, gnomAD 0.002%). This variant has not been reported in the literature in individuals affected with CDH1-related conditions. ClinVar contains an entry for this variant (Variation ID: 230993). An algorithm developed to predict the effect of missense changes on protein structure and function (PolyPhen-2) suggests that this variant is likely to be tolerated. In summary, the available evidence is currently insufficient to determine the role of this variant in disease. Therefore, it has been classified as a Variant of Uncertain Significance.

KCCC/NGS Laboratory, Kuwait Cancer Control Center
Classification: Uncertain significance for Hereditary cancer-predisposing syndrome. Last evaluated: 2024-02-19. Review status: criteria provided, single submitter. Criteria: ACMG Guidelines, 2015. Collection method: clinical testing. Allele origin: germline. Inheritance: Autosomal dominant inheritance. Affected: yes. Observed: 1 heterozygote.
Comment: This sequence change replaces arginine, which is basic and polar, with glutamine, which is neutral and polar, at codon 524 of the CDH1 protein (p.Arg524Gln). This variant is present in population databases (rs761180883, gnomAD 0.002%). This variant has not been reported in the literature in individuals affected with CDH1-related conditions. ClinVar contains an entry for this variant (Variation ID: 230993). Algorithms developed to predict the effect of missense changes on protein structure and function (SIFT, PolyPhen-2, Align-GVGD) all suggest that this variant is likely to be tolerated. Algorithms developed to predict the effect of sequence changes on RNA splicing suggest that this variant may create or strengthen a splice site. Therefore, it has been classified as a Variant of Uncertain Significance. Heterozygous pathogenic/likely pathogenic variants in the CDH1 gene cause Diffuse gastric and lobular breast cancer syndrome (OMIM 137215).

Color Diagnostics, LLC DBA Color Health
Classification: Uncertain significance for Hereditary cancer-predisposing syndrome. Last evaluated: 2024-02-05. Review status: criteria provided, single submitter. Criteria: ACMG Guidelines, 2015. Collection method: clinical testing. Allele origin: germline.
Comment: This missense variant replaces arginine with glutamine at codon 524 of the CDH1 protein. To our knowledge, functional studies have not been reported for this variant. This variant has not been reported in individuals affected with CDH1-related disorders in the literature. This variant has been identified in 2/282884 chromosomes in the general population by the Genome Aggregation Database (gnomAD). The available evidence is insufficient to determine the role of this variant in disease conclusively. Therefore, this variant is classified as a Variant of Uncertain Significance.

European Reference Network on Genetic Tumour Risk Syndromes (ERN-GENTURIS), i3s - Instituto de Investigação e Inovação em Saúde, University of Porto
Classification: Uncertain significance for Hereditary diffuse gastric adenocarcinoma. Last evaluated: 2022-08-01. Review status: criteria provided, single submitter. Criteria: Lee et al. (Hum Mutat. 2018). Collection method: clinical testing. Allele origin: germline. Inheritance: Autosomal dominant inheritance. Affected: no. Study: ERN GENTURIS.
Comment: PM2 (PMID: 30311375)

Literature cited by the submitters: PubMed 36436516 (cited by Ambry Genetics and European Reference Network on Genetic Tumour Risk Syndromes (ERN-GENTURIS), i3s - Instituto de Investigação e Inovação em Saúde, University of Porto).

NM_004360.5(CDH1):c.1571G>A (p.Arg524Gln)

Gene: CDH1 (cadherin 1; plus strand). Cytogenetic location: 16q22.1.
Variant type: single nucleotide variant.
Coding change: c.1571G>A on transcript NM_004360.5 (MANE Select); coding-DNA position 1571, G replaced by A.
Protein change: p.Arg524Gln; replaces arginine 524 with glutamine.
Molecular consequence: missense variant. On other transcripts: intron variant (1).
Genome position (GRCh38, 1-based): chr16:68,819,285, G>A. VCF-style: chr16-68819285-G-A. GRCh37 (hg19) VCF-style: chr16-68853188-G-A.
Other names: c.1571G>A (LRG_301t1); c.1388G>A, p.Arg463Gln (NM_001317184.2); c.23G>A, p.Arg8Gln (NM_001317185.2); c.-254-2716G>A (NM_001317186.2); short protein forms R524Q, R8Q, R463Q.
Identifiers: ClinVar variation 230993 (VCV000230993.19), dbSNP rs761180883, ClinGen allele CA8130108.